The following is an entry in ClinVar:

ClinVar aggregate classification (germline): Conflicting classifications of pathogenicity. Review status: criteria provided, conflicting classifications (1 of 4 stars). 4 submissions from 4 submitters: Uncertain significance (1); Benign (1); Likely benign (2). Last evaluated 2025-06-03.

Allele frequency attached by ClinVar (database versions not stated): TOPMed 0.00013; 1000 Genomes Project 30x 0.00031; 1000 Genomes Project 0.00040.
gnomAD v4.1: 335 of 1,613,616 alleles (0.021%); highest among the groups gnomAD compares: Non-Finnish European, 0.025%; no homozygotes.

Submissions (4):

Labcorp Genetics (formerly Invitae), Labcorp
Classification: Benign. Last evaluated: 2025-06-03. Review status: criteria provided, single submitter. Criteria: Invitae Variant Classification Sherloc (09022015). Collection method: clinical testing. Allele origin: germline.

CeGaT Center for Human Genetics Tuebingen
Classification: Uncertain significance. Last evaluated: 2025-03-01. Review status: criteria provided, single submitter. Criteria: CeGaT Center For Human Genetics Tuebingen Variant Classification Criteria Version 2. Collection method: clinical testing. Allele origin: germline. Affected: yes. Observed: 1 variant allele.
Comment: SPTA1: PM2:Supporting, BP4

ARUP Laboratories, Molecular Genetics and Genomics, ARUP Laboratories
Classification: Likely benign. Last evaluated: 2024-05-21. Review status: criteria provided, single submitter. Criteria: ARUP Molecular Germline Variant Investigation Process 2024. Collection method: clinical testing. Allele origin: germline.

Revvity Omics, Revvity
Classification: Likely benign. Last evaluated: 2024-02-27. Review status: criteria provided, single submitter. Criteria: ACMG Guidelines, 2015. Collection method: clinical testing. Allele origin: germline.

NM_003126.4(SPTA1):c.121C>A (p.Arg41=)

Gene: SPTA1 (spectrin alpha, erythrocytic 1; minus strand). Cytogenetic location: 1q23.1.
Variant type: single nucleotide variant.
Coding change: c.121C>A on transcript NM_003126.4 (MANE Select); coding-DNA position 121, C replaced by A.
Protein change: p.Arg41=; no amino-acid change (arginine 41 retained).
Molecular consequence: synonymous variant.
Genome position (GRCh38, 1-based): chr1:158,685,251, G>T on the plus strand (C>A on the coding strand, the complement: SPTA1 is on the minus strand). VCF-style: chr1-158685251-G-T. GRCh37 (hg19) VCF-style: chr1-158655041-G-T.
Identifiers: ClinVar variation 1330466 (VCV001330466.20), dbSNP rs121918640, ClinGen allele CA1184250.